The following is an entry in ClinVar:

NM_212482.4(FN1):c.6157+4T>C

Gene: FN1 (fibronectin 1; minus strand). Cytogenetic location: 2q35.
Variant type: single nucleotide variant.
Coding change: c.6157+4T>C on transcript NM_212482.4 (MANE Select); 4 bases into the intron after coding-DNA position 6157, T replaced by C.
Molecular consequence: intron variant.
Genome position (GRCh38, 1-based): chr2:215,375,210, A>G on the plus strand (T>C on the coding strand, the complement: FN1 is on the minus strand). VCF-style: chr2-215375210-A-G. GRCh37 (hg19) VCF-style: chr2-216239933-A-G.
Other names: c.5614+4T>C (NM_212474.3, NM_001306132.2, NM_001365523.2 and 2 more transcripts); c.5884+4T>C (NM_001365524.2, NM_212478.3, NM_001365520.2 and 2 more transcripts); c.5887+4T>C (NM_001306130.2, NM_001365522.2, NM_001365519.2 and 2 more transcripts); c.6157+4T>C (NM_001306129.2).
Identifiers: ClinVar variation 1374587 (VCV001374587.8), dbSNP rs779209474, ClinGen allele CA2093937.
Genomic context (GRCh38, chr2:215,375,210, plus strand): 5'-TTGCTAAGGACTTCATGTGTCCTAGGTAGTAAGAAGGAAAATGACAGCATGGAAGCAGCA[A>G]TACCAGTAATAGTAGCCTCTGTGACACCAGGGCGGGGCCGAGGGACCACTTCTCTGGGAG-3'

ClinVar aggregate classification (germline): Conflicting classifications of pathogenicity. Review status: criteria provided, conflicting classifications (1 of 4 stars). 2 submissions from 2 submitters: Uncertain significance (1); Likely benign (1). Last evaluated 2025-05-26.

Conditions:
Glomerulopathy with fibronectin deposits 2 (GFND2). Identifiers: Orphanet 84090, MedGen C1866075, MONDO:0011165, OMIM 601894.
Spondylometaphyseal dysplasia - Sutcliffe type. Also called: Spondylometaphyseal dysplasia, 'corner fracture' type; Spondylometaphyseal Dysplasia, Corner Fracture Type; Sutcliffe type of spondylometaphyseal dysplasia; Sutcliffe SMD. Identifiers: Orphanet 93315, MedGen C0432221, MONDO:0008479, OMIM 184255.

Allele frequency attached by ClinVar (database versions not stated): ExAC 0.00002; gnomAD exomes 0.00004; gnomAD 0.00005 and 0.00006; TOPMed 0.00006.
gnomAD v4.1: 54 of 1,613,104 alleles (0.0033%); highest among the groups gnomAD compares: Middle Eastern, 0.049%; 1 homozygote.

Submissions (2):

Labcorp Genetics (formerly Invitae), Labcorp
Classification: Uncertain significance. Last evaluated: 2025-05-26. Review status: criteria provided, single submitter. Criteria: Invitae Variant Classification Sherloc (09022015). Collection method: clinical testing. Allele origin: germline.
Comment: This sequence change falls in intron 38 of the FN1 gene. It does not directly change the encoded amino acid sequence of the FN1 protein. It affects a nucleotide within the consensus splice site. This variant is present in population databases (rs779209474, gnomAD 0.01%). This variant has not been reported in the literature in individuals affected with FN1-related conditions. ClinVar contains an entry for this variant (Variation ID: 1374587). Variants that disrupt the consensus splice site are a relatively common cause of aberrant splicing (PMID: 17576681, 9536098). Algorithms developed to predict the effect of sequence changes on RNA splicing suggest that this variant is not likely to affect RNA splicing. In summary, the available evidence is currently insufficient to determine the role of this variant in disease. Therefore, it has been classified as a Variant of Uncertain Significance.

Fulgent Genetics
Classification: Likely benign for Spondylometaphyseal dysplasia - Sutcliffe type; Glomerulopathy with fibronectin deposits 2. Last evaluated: 2024-05-16. Review status: criteria provided, single submitter. Criteria: ACMG Guidelines, 2015. Collection method: clinical testing. Allele origin: germline.

Literature cited by the submitters: PubMed 17576681 (cited by Labcorp Genetics (formerly Invitae), Labcorp); PubMed 9536098 (cited by Labcorp Genetics (formerly Invitae), Labcorp).